The following is an entry in ClinVar:

NM_001184880.2(PCDH19):c.741G>T (p.Val247=)

Gene: PCDH19 (protocadherin 19; minus strand). Cytogenetic location: Xq22.1.
Variant type: single nucleotide variant.
Coding change: c.741G>T on transcript NM_001184880.2 (MANE Select); coding-DNA position 741, G replaced by T.
Protein change: p.Val247=; no amino-acid change (valine 247 retained).
Molecular consequence: synonymous variant.
Genome position (GRCh38, 1-based): chrX:100,407,857, C>A on the plus strand (G>T on the coding strand, the complement: PCDH19 is on the minus strand). VCF-style: chrX-100407857-C-A. GRCh37 (hg19) VCF-style: chrX-99662855-C-A.
Other names: c.741G>T, p.Val247= (NM_001105243.2, NM_020766.3).
Identifiers: ClinVar variation 383810 (VCV000383810.10), dbSNP rs1057521743, ClinGen allele CA16608224.
Genomic context (GRCh38, chrX:100,407,857, plus strand): 5'-CTCGTCTGGATCGCTGGCGTTGAGGCGGATGACGGGTGTGTTGGGAGGCGAGTTTTCTGG[C>A]ACGCTCACCGCGTAGGTGGACTCGCTAAACACCGGGTTGTTGTCATTGGAGTCGGTCACC-3'
Protein context (NP_001171809.1, residues 237-257): VFSESTYAVS[Val247=]PENSPPNTPV

ClinVar aggregate classification (germline): Likely benign. Review status: criteria provided, multiple submitters, no conflicts (2 of 4 stars). 2 submissions from 2 submitters: Likely benign (2). Last evaluated 2024-10-09.

Conditions:
Developmental and epileptic encephalopathy, 9 (DEE9). Also called: Early infantile epileptic encephalopathy 9; EPILEPSY, FEMALE-RESTRICTED, WITH MENTAL RETARDATION; JUBERG-HELLMAN SYNDROME; PCDH19-Related X-Linked Female-Limited Epilepsy with Mental Retardation. Identifiers: Orphanet 101039, Orphanet 2076, MedGen C1848137, MONDO:0010246, OMIM 300088. Disease mechanism: loss of function.

Allele frequency attached by ClinVar (database versions not stated): TOPMed below 0.00001; gnomAD 0.00001; gnomAD exomes 0.00001 and 0.00002.
gnomAD v4.1: 26 of 1,211,247 alleles (0.0021%); highest among the groups gnomAD compares: Non-Finnish European, 0.0028%; no homozygotes.

Submissions (2):

Labcorp Genetics (formerly Invitae), Labcorp
Classification: Likely benign for Developmental and epileptic encephalopathy, 9. Last evaluated: 2024-10-09. Review status: criteria provided, single submitter. Criteria: Invitae Variant Classification Sherloc (09022015). Collection method: clinical testing. Allele origin: germline.

GeneDx
Classification: Likely benign. Last evaluated: 2016-02-25. Review status: criteria provided, single submitter. Criteria: GeneDx Variant Classification (06012015). Collection method: clinical testing. Allele origin: germline. Affected: yes.
Comment: This variant is considered likely benign or benign based on one or more of the following criteria: it is a conservative change, it occurs at a poorly conserved position in the protein, it is predicted to be benign by multiple in silico algorithms, and/or has population frequency not consistent with disease.